The following is an entry in ClinVar:

ClinVar aggregate classification (germline): Uncertain significance (1 of 4 stars; one submission).

Allele frequency attached by ClinVar (database versions not stated): gnomAD exomes below 0.00001; TOPMed 0.00001; gnomAD 0.00002.
gnomAD v4.1: 7 of 1,613,852 alleles (0.00043%); highest among the groups gnomAD compares: Non-Finnish European, 0.00059%; no homozygotes.

Submission:

Labcorp Genetics (formerly Invitae), Labcorp
Classification: Uncertain significance. Last evaluated: 2024-07-12. Review status: criteria provided, single submitter. Criteria: Invitae Variant Classification Sherloc (09022015). Collection method: clinical testing. Allele origin: germline.
Comment: This sequence change replaces arginine, which is basic and polar, with glycine, which is neutral and non-polar, at codon 2970 of the PCLO protein (p.Arg2970Gly). This variant is present in population databases (no rsID available, gnomAD 0.01%). This variant has not been reported in the literature in individuals affected with PCLO-related conditions. ClinVar contains an entry for this variant (Variation ID: 1921544). Experimental studies and prediction algorithms are not available or were not evaluated, and the functional significance of this variant is currently unknown. In summary, the available evidence is currently insufficient to determine the role of this variant in disease. Therefore, it has been classified as a Variant of Uncertain Significance.

NM_033026.6(PCLO):c.8908A>G (p.Arg2970Gly)

Gene: PCLO (piccolo presynaptic cytomatrix protein; minus strand). Cytogenetic location: 7q21.11.
Variant type: single nucleotide variant.
Coding change: c.8908A>G on transcript NM_033026.6 (MANE Select); coding-DNA position 8908, A replaced by G.
Protein change: p.Arg2970Gly; replaces arginine 2970 with glycine.
Molecular consequence: missense variant.
Genome position (GRCh38, 1-based): chr7:82,952,045, T>C on the plus strand (A>G on the coding strand, the complement: PCLO is on the minus strand). VCF-style: chr7-82952045-T-C. GRCh37 (hg19) VCF-style: chr7-82581361-T-C.
Other names: c.8908A>G, p.Arg2970Gly (NM_014510.3); short protein forms R2970G.
Identifiers: ClinVar variation 1921544 (VCV001921544.3), dbSNP rs1426678493, ClinGen allele CA367909656.